The following is an entry in ClinVar:

ClinVar aggregate classification (germline): Pathogenic (1 of 4 stars; one submission).

Conditions:
PAX6-related disorder. Also called: PAX6-related disorders; PAX6-related condition.

Submission:

PreventionGenetics, part of Exact Sciences
Classification: Pathogenic for PAX6-related condition. Last evaluated: 2024-10-17. Review status: criteria provided, single submitter. Criteria: ACMG Guidelines, 2015. Collection method: clinical testing. Allele origin: germline.
Comment: The PAX6 c.384_397del14 variant is predicted to result in a frameshift and premature protein termination (p.Asn128Lysfs*14). To our knowledge, this variant has not been reported in the literature or in a large population database (gnomAD), indicating this variant is rare. Frameshift variants in PAX6 are an established mechanism of disease. This variant is interpreted as pathogenic.

NM_001368894.2(PAX6):c.384_397del (p.Asn128fs)

Gene: PAX6 (paired box 6; minus strand). Cytogenetic location: 11p13.
Variant type: Deletion.
Coding change: c.384_397del on transcript NM_001368894.2 (MANE Select); coding-DNA positions 384 to 397, 14 bases deleted (CGATAACATACCAA).
Protein change: p.Asn128fs; shifts the reading frame from asparagine 128.
Molecular consequence: frameshift variant. On other transcripts: 5 prime UTR variant (14), non-coding transcript variant (2), intron variant (8).
Genome position (GRCh38, 1-based): chr11:31,801,563-31,801,576, TTGGTATGTTATCG deleted on the plus strand (CGATAACATACCAA on the coding strand, the reverse complement: PAX6 is on the minus strand); deleting any 14 consecutive bases within chr11:31,801,563-31,801,582 gives the same sequence; the c. name uses the placement nearest the transcript's 3' end. VCF-style (leftmost placement, unchanged base first): chr11-31801562-CTTGGTATGTTATCG-C. GRCh37 (hg19) VCF-style: chr11-31823110-CTTGGTATGTTATCG-C.
Other names: c.342_355del, p.Asn114fs (NM_000280.6, NM_001127612.3, NM_001258464.2 and 10 more transcripts); c.384_397del, p.Asn128fs (NM_001258462.3, NM_001258463.2, NM_001310158.2 and 6 more transcripts); c.-398_-385del (NM_001310160.2, NM_001368902.2, NM_001368905.2); c.-67_-54del (NM_001310161.3, NM_001368899.2, NM_001368900.2 and 8 more transcripts); c.585_598del, p.Asn195fs (NM_001368910.2); c.387_400del, p.Asn129fs (NM_001368911.2); c.459_472del, p.Asn153fs (NM_001368918.2, NM_001368919.2); c.417_430del, p.Asn139fs (NM_001368920.2); and 2 more; short protein forms N139fs, N153fs, N114fs, N128fs, N129fs, N195fs.
Identifiers: ClinVar variation 5001275 (VCV005001275.1).
Genomic context (GRCh38, chr11:31,801,562, plus strand): 5'-TAAAGAGGAGAGAGCATTGGGCTTAGGGCAGGGAGGGCAGATGTTCTCAATGAACTTACG[CTTGGTATGTTATCG>C]TTGGTACAGACCCCCTCGGACAGTAATCTGTCTCGGATTTCCCAAGCAAAGATGGACGGG-3'